The following is an entry in ClinVar:

NM_004959.5(NR5A1):c.835T>A (p.Trp279Arg)

Gene: NR5A1 (nuclear receptor subfamily 5 group A member 1; minus strand). Cytogenetic location: 9q33.3.
Variant type: single nucleotide variant.
Coding change: c.835T>A on transcript NM_004959.5 (MANE Select); coding-DNA position 835, T replaced by A.
Protein change: p.Trp279Arg; replaces tryptophan 279 with arginine.
Molecular consequence: missense variant.
Genome position (GRCh38, 1-based): chr9:124,500,125, A>T on the plus strand (T>A on the coding strand, the complement: NR5A1 is on the minus strand). VCF-style: chr9-124500125-A-T. GRCh37 (hg19) VCF-style: chr9-127262404-A-T.
Other names: short protein forms W279R.
Identifiers: ClinVar variation 420085 (VCV000420085.2), dbSNP rs1064794281, ClinGen allele CA16618733.

ClinVar aggregate classification (germline): Likely pathogenic (1 of 4 stars; one submission).

Submission:

GeneDx
Classification: Likely pathogenic. Last evaluated: 2017-02-08. Review status: criteria provided, single submitter. Criteria: GeneDx Variant Classification (06012015). Collection method: clinical testing. Allele origin: germline. Affected: yes.
Comment: The c.835 T>A variant in the NR5A1 gene has been reported previously in an individual with 46,XY disorder of sexual development (Allali et al., 2011). The c.835 T>A variant is not observed in large population cohorts (Lek et al., 2016; 1000 Genomes Consortium et al., 2015; Exome Variant Server). In-silico splice prediction models predict that c.835 T>A may create a cryptic splice acceptor site in exon 4, which may cause abnormal gene splicing. If c.835 T>A does not alter splicing, it will result in the W279R missense change. The W279R variant is a non-conservative amino acid substitution, which is likely to impact secondary protein structure as these residues differ in polarity, charge, size and/or other properties. This substitution occurs at a position in the ligand binding domain that is conserved across species, and in silico analysis predicts this variant is probably damaging to the protein structure/function. Therefore, we interpret c.835 T>A as a likely pathogenic variant.